The following is an entry in ClinVar:

ClinVar aggregate classification (germline): Likely pathogenic (1 of 4 stars; one submission).
ClinVar aggregate classification (oncogenicity): Likely oncogenic (1 of 4 stars; one submission).

Conditions:
Acute megakaryoblastic leukemia in down syndrome. Identifiers: Orphanet 99887, MedGen C5925108, MONDO:0020526.
Acute myeloid leukemia (AML). Also called: Leukemia, acute myeloid, somatic; Leukemia, acute myelogenous, somatic; Acute myeloid leukemia, adult; AML adult; Acute non-lymphocytic leukemia; Acute granulocytic leukemia. Identifiers: Orphanet 519, MedGen C0023467, MeSH D015470, MONDO:0018874, OMIM 601626, HP:0004808. Disease mechanism: Constitutively activated FLT3.

gnomAD v4.1: 63 of 1,610,928 alleles (0.0039%); highest among the groups gnomAD compares: Non-Finnish European, 0.0042%; no homozygotes.

Submissions (2):

Center for Virology of Infectious and Tropical Diseases (CVMIT), Mohammed V Military Teaching Hospital
Classification: Likely oncogenic for Acute myeloid leukemia. Last evaluated: 2026-10-26. Review status: criteria provided, single submitter. Criteria: ClinGen/CGC/VICC Guidelines for Oncogenicity, 2022. Collection method: research. Allele origin: somatic. Affected: yes. Observed: 1 variant allele.
Comment: SRSF2 p.Pro95Arg. Oncogenicity classified with the ClinGen/CGC/VICC SOP (Horak et al. 2022, PMID:35101336). Criteria applied: OS2: P95R alters exonic splicing enhancer preference in K562 cells (PMID:25965569); OS3: SRSF2 P95 hotspot, highly recurrent in myeloid neoplasms (tumour-type data used per SOP caveat; PMID:21909114, PMID:27276561); present in gnomAD v4 only at very low allele frequency (AF 3.9e-5), compatible with clonal hematopoiesis in controls (OP4). OP1 not applied: SIFT predicts tolerated (CADD 25.8 and AlphaMissense 0.96 support pathogenicity). Total 9 points (Likely oncogenic). ClinVar at analysis (release 2022-07-09, used by Ion Reporter): Variation ID 998075, Likely pathogenic. Current record: ClinVar VCV000998075.3 (consulted 2026-10-29): germline classification Likely pathogenic.

Genomic Diagnostic Laboratory, Division of Genomic Diagnostics, Children's Hospital of Philadelphia
Classification: Likely pathogenic for Acute megakaryoblastic leukemia in down syndrome. Last evaluated: 2020-09-01. Review status: criteria provided, single submitter. Criteria: AMP Guidelines, 2017. Collection method: clinical testing. Allele origin: somatic. Affected: yes. Observed: 1 variant allele.

Literature cited by the submitters: PubMed 25965569 (cited by Center for Virology of Infectious and Tropical Diseases (CVMIT), Mohammed V Military Teaching Hospital); PubMed 21909114 (cited by Center for Virology of Infectious and Tropical Diseases (CVMIT), Mohammed V Military Teaching Hospital); PubMed 27276561 (cited by Center for Virology of Infectious and Tropical Diseases (CVMIT), Mohammed V Military Teaching Hospital).

NM_001195427.2(SRSF2):c.284C>G (p.Pro95Arg)

Genes: MFSD11 (major facilitator superfamily domain containing 11; plus strand), SRSF2 (serine and arginine rich splicing factor 2; minus strand). Cytogenetic location: 17q25.1.
Variant type: single nucleotide variant.
Coding change: c.284C>G on transcript NM_001195427.2 (MANE Select); coding-DNA position 284, C replaced by G.
Protein change: p.Pro95Arg; replaces proline 95 with arginine.
Molecular consequence: missense variant. On other transcripts: non-coding transcript variant (4), 5 prime UTR variant (2).
Genome position (GRCh38, 1-based): chr17:76,736,877, G>C on the plus strand (C>G on the coding strand, the complement: SRSF2 is on the minus strand). VCF-style: chr17-76736877-G-C. GRCh37 (hg19) VCF-style: chr17-74732959-G-C.
Other names: c.284C>G, p.Pro95Arg (NM_003016.5); c.-286G>C (NM_001242534.3); c.-281G>C (NM_001353017.2); short protein forms P95R.
Identifiers: ClinVar variation 998075 (VCV000998075.4), dbSNP rs751713049, ClinGen allele CA8790424.
Genomic context (GRCh38, chr17:76,736,877, plus strand): 5'-TAGCCACCGCCCCCGTACCTGCGGGGTGGCGGTCCCCGGCGGCTGTGGTGTGAGTCCGGG[G>C]GGCGGCCGTAGCGCGCCATTTGCACCCGCAGCTCGCGGCCGTCCAGCACGGCCCCGTCCA-3'
Protein context (NP_001182356.1, residues 85-105): LRVQMARYGR[Pro95Arg]PDSHHSRRGP